The following is an entry in ClinVar:

ClinVar aggregate classification (germline): Likely benign (1 of 4 stars; one submission).

gnomAD v4.1: 2 of 1,614,012 alleles (0.00012%); highest among the groups gnomAD compares: Middle Eastern, 0.016%; no homozygotes.

Submission:

CeGaT Center for Human Genetics Tuebingen
Classification: Likely benign. Last evaluated: 2022-06-01. Review status: criteria provided, single submitter. Criteria: CeGaT Center For Human Genetics Tuebingen Variant Classification Criteria Version 2. Collection method: clinical testing. Allele origin: germline. Affected: yes. Observed: 1 variant allele.
Comment: ZNF778: PM2:Supporting, BP4, BP7

NM_001201407.2(ZNF778):c.996T>C (p.Ala332=)

Gene: ZNF778 (zinc finger protein 778; plus strand). Cytogenetic location: 16q24.3.
Variant type: single nucleotide variant.
Coding change: c.996T>C on transcript NM_001201407.2 (MANE Select); coding-DNA position 996, T replaced by C.
Protein change: p.Ala332=; no amino-acid change (alanine 332 retained).
Molecular consequence: synonymous variant. On other transcripts: non-coding transcript variant (1).
Genome position (GRCh38, 1-based): chr16:89,227,284, T>C. VCF-style: chr16-89227284-T-C. GRCh37 (hg19) VCF-style: chr16-89293692-T-C.
Other names: c.996T>C, p.Ala332= (NM_001378881.1); c.912T>C, p.Ala304= (NM_182531.5).
Identifiers: ClinVar variation 2647049 (VCV002647049.24), dbSNP rs2544067951, ClinGen allele CA497371780.